The following is an entry in ClinVar:

ClinVar aggregate classification (germline): Pathogenic/Likely pathogenic. Review status: criteria provided, multiple submitters, no conflicts (2 of 4 stars). 3 submissions from 3 submitters: Pathogenic (2); Likely pathogenic (1). Last evaluated 2026-01-19.

Conditions:
Developmental and epileptic encephalopathy, 1 (DEE1). Also called: X-linked infantile spasms; West's syndrome; Tonic spasms with clustering, arrest of psychomotor development and hypsarrhythmia on EEG; X-Linked Infantile Spasm Syndrome; OHTAHARA SYNDROME, X-LINKED; Epileptic encephalopathy, early infantile, 1. Identifiers: MedGen C3463992, MONDO:0010632, OMIM 308350. Disease mechanism: loss of function.
Autosomal dominant nonsyndromic hearing loss 65. Also called: Deafness, autosomal dominant 65; TBC1D24-Related Autosomal Dominant Nonsyndromic Hearing Loss (DFNA). Identifiers: Orphanet 90635, MedGen C3892048, MONDO:0014470, OMIM 616044.
TBC1D24-related disorder. Also called: TBC1D24-related disorders; TBC1D24-related condition. Identifiers: MedGen CN381194.

Allele frequency attached by ClinVar (database versions not stated): TOPMed 0.00002; gnomAD 0.00005; gnomAD exomes below 0.00001; ExAC 0.00001.

Submissions (3):

Labcorp Genetics (formerly Invitae), Labcorp
Classification: Pathogenic for Developmental and epileptic encephalopathy, 1; Autosomal dominant nonsyndromic hearing loss 65. Last evaluated: 2026-01-19. Review status: criteria provided, single submitter. Criteria: Invitae Variant Classification Sherloc (09022015). Collection method: clinical testing. Allele origin: germline.
Comment: This sequence change creates a premature translational stop signal (p.Cys161*) in the TBC1D24 gene. It is expected to result in an absent or disrupted protein product. Loss-of-function variants in TBC1D24 are known to be pathogenic (PMID: 23526554, 24291220). The frequency data for this variant in the population databases is considered unreliable, as metrics indicate poor data quality at this position in the gnomAD database. This variant has not been reported in the literature in individuals affected with TBC1D24-related conditions. ClinVar contains an entry for this variant (Variation ID: 489172). For these reasons, this variant has been classified as Pathogenic.

GeneDx
Classification: Likely pathogenic. Last evaluated: 2025-03-21. Review status: criteria provided, single submitter. Criteria: GeneDx Variant Classification Process June 2021. Collection method: clinical testing. Allele origin: germline. Affected: yes.
Comment: Nonsense variant predicted to result in protein truncation or nonsense mediated decay in a gene for which loss-of-function is a known mechanism of disease; Has not been previously published as pathogenic or benign to our knowledge

Women's Health and Genetics/Laboratory Corporation of America, LabCorp
Classification: Pathogenic for TBC1D24-Related Disorders. Last evaluated: 2023-05-04. Review status: criteria provided, single submitter. Criteria: LabCorp Variant Classification Summary - May 2015. Collection method: clinical testing. Allele origin: germline.
Comment: Variant summary: TBC1D24 c.483C>A (p.Cys161X) results in a premature termination codon, predicted to cause a truncation of the encoded protein or absence of the protein due to nonsense mediated decay, which are commonly known mechanisms for disease. The variant allele was found at a frequency of 4e-06 in 247824 control chromosomes (gnomAD). To our knowledge, no occurrence of c.483C>A in individuals affected with TBC1D24-Related Disorders and no experimental evidence demonstrating its impact on protein function have been reported. Two clinical diagnostic laboratories have submitted clinical-significance assessments for this variant to ClinVar after 2014 and classified the variant as pathogenic/likely pathogenic. Based on the evidence outlined above, the variant was classified as pathogenic.

Literature cited by the submitters: PubMed 23526554 (cited by Labcorp Genetics (formerly Invitae), Labcorp); PubMed 24291220 (cited by Labcorp Genetics (formerly Invitae), Labcorp).

NM_001199107.2(TBC1D24):c.483C>A (p.Cys161Ter)

Gene: TBC1D24 (TBC1 domain family member 24; plus strand). Cytogenetic location: 16p13.3.
Variant type: single nucleotide variant.
Coding change: c.483C>A on transcript NM_001199107.2 (MANE Select); coding-DNA position 483, C replaced by A.
Protein change: p.Cys161Ter; replaces cysteine 161 with a stop codon.
Molecular consequence: nonsense.
Genome position (GRCh38, 1-based): chr16:2,496,631, C>A. VCF-style: chr16-2496631-C-A. GRCh37 (hg19) VCF-style: chr16-2546632-C-A.
Other names: c.483C>A, p.Cys161Ter (NM_020705.3); short protein forms C161*.
Identifiers: ClinVar variation 489172 (VCV000489172.12), dbSNP rs745800110, ClinGen allele CA7844009.